The following is an entry in ClinVar:

ClinVar aggregate classification (germline): Uncertain significance. Review status: criteria provided, multiple submitters, no conflicts (2 of 4 stars). 2 submissions from 2 submitters: Uncertain significance (2). Last evaluated 2025-07-19.

Conditions:
Spastic paraplegia. Identifiers: MedGen C0037772, HP:0001258.

gnomAD v4.1: 6 of 1,613,706 alleles (0.00037%); highest among the groups gnomAD compares: African/African-American, 0.0013%; no homozygotes.

Submissions (2):

Labcorp Genetics (formerly Invitae), Labcorp
Classification: Uncertain significance for Spastic paraplegia. Last evaluated: 2025-07-19. Review status: criteria provided, single submitter. Criteria: Invitae Variant Classification Sherloc (09022015). Collection method: clinical testing. Allele origin: germline.
Comment: This sequence change replaces alanine, which is neutral and non-polar, with threonine, which is neutral and polar, at codon 99 of the ERLIN2 protein (p.Ala99Thr). This variant is not present in population databases (gnomAD no frequency). This variant has not been reported in the literature in individuals affected with ERLIN2-related conditions. ClinVar contains an entry for this variant (Variation ID: 3359579). Invitae Evidence Modeling of protein sequence and biophysical properties (such as structural, functional, and spatial information, amino acid conservation, physicochemical variation, residue mobility, and thermodynamic stability) indicates that this missense variant is not expected to disrupt ERLIN2 protein function with a negative predictive value of 80%. In summary, the available evidence is currently insufficient to determine the role of this variant in disease. Therefore, it has been classified as a Variant of Uncertain Significance.

GeneDx
Classification: Uncertain significance. Last evaluated: 2023-06-06. Review status: criteria provided, single submitter. Criteria: GeneDx Variant Classification Process June 2021. Collection method: clinical testing. Allele origin: germline. Affected: yes.
Comment: Not observed at significant frequency in large population cohorts (gnomAD); In silico analysis supports that this missense variant does not alter protein structure/function; Has not been previously published as pathogenic or benign to our knowledge

NM_007175.8(ERLIN2):c.295G>A (p.Ala99Thr)

Gene: ERLIN2 (ER lipid raft associated 2; plus strand). Cytogenetic location: 8p11.23.
Variant type: single nucleotide variant.
Coding change: c.295G>A on transcript NM_007175.8 (MANE Select); coding-DNA position 295, G replaced by A.
Protein change: p.Ala99Thr; replaces alanine 99 with threonine.
Molecular consequence: missense variant.
Genome position (GRCh38, 1-based): chr8:37,744,413, G>A. VCF-style: chr8-37744413-G-A. GRCh37 (hg19) VCF-style: chr8-37601931-G-A.
Other names: c.295G>A, p.Ala99Thr (NM_001003790.4, NM_001003791.3, NM_001362878.2 and 1 more transcripts); short protein forms A99T.
Identifiers: ClinVar variation 3359579 (VCV003359579.2).